The following is an entry in ClinVar:

NM_001080467.3(MYO5B):c.2736A>G (p.Ser912=)

Gene: MYO5B (myosin VB; minus strand). Cytogenetic location: 18q21.1.
Variant type: single nucleotide variant.
Coding change: c.2736A>G on transcript NM_001080467.3 (MANE Select); coding-DNA position 2736, A replaced by G.
Protein change: p.Ser912=; no amino-acid change (serine 912 retained).
Molecular consequence: synonymous variant.
Genome position (GRCh38, 1-based): chr18:49,902,669, T>C on the plus strand (A>G on the coding strand, the complement: MYO5B is on the minus strand). VCF-style: chr18-49902669-T-C. GRCh37 (hg19) VCF-style: chr18-47429039-T-C.
Identifiers: ClinVar variation 3049040 (VCV003049040.2), dbSNP rs1387981415, ClinGen allele CA503991752.

ClinVar aggregate classification (germline): Likely benign (0 of 4 stars; one submission).

Conditions:
MYO5B-related disorder. Also called: MYO5B-related condition.

Allele frequency attached by ClinVar (database versions not stated): gnomAD exomes below 0.00001.
gnomAD v4.1: 1 of 1,613,268 alleles (0.000062%); highest among the groups gnomAD compares: Admixed American, 0.0017%; no homozygotes.

Submission:

PreventionGenetics, part of Exact Sciences
Classification: Likely benign for MYO5B-related condition. Last evaluated: 2022-09-20. Review status: no assertion criteria provided. Collection method: clinical testing. Allele origin: germline.
Comment: This variant is classified as likely benign based on ACMG/AMP sequence variant interpretation guidelines (Richards et al. 2015 PMID: 25741868, with internal and published modifications).